The following is an entry in ClinVar:

ClinVar aggregate classification (germline): Uncertain significance. Review status: criteria provided, multiple submitters, no conflicts (2 of 4 stars). 2 submissions from 2 submitters: Uncertain significance (2). Last evaluated 2023-05-26.

Conditions:
RYR1-related disorder. Also called: RYR1-related disorders; RYR1-related condition. Identifiers: MedGen CN239331.
Malignant hyperthermia, susceptibility to, 1 (MHS1). Also called: Malignant hyperthermia suceptibility 1; RYR1-Related Malignant Hyperthermia Susceptibility; Anesthesia related hyperthermia; Malignant hyperpyrexia; Fulminating hyperpyrexia; Pharmacogenic myopathy. Identifiers: Orphanet 423, MedGen C2930980, MONDO:0007783, OMIM 145600.

Allele frequency attached by ClinVar (database versions not stated): TOPMed below 0.00001; gnomAD 0.00001; ExAC 0.00004.
gnomAD v4.1: 1 of 1,567,732 alleles (0.000064%); highest among the groups gnomAD compares: Non-Finnish European, 0.000087%; no homozygotes.

Submissions (2):

Labcorp Genetics (formerly Invitae), Labcorp
Classification: Uncertain significance for RYR1-related disorder. Last evaluated: 2023-05-26. Review status: criteria provided, single submitter. Criteria: Invitae Variant Classification Sherloc (09022015). Collection method: clinical testing. Allele origin: germline.
Comment: This sequence change falls in intron 22 of the RYR1 gene. It does not directly change the encoded amino acid sequence of the RYR1 protein. This variant is present in population databases (rs757936454, gnomAD 0.001%). This variant has not been reported in the literature in individuals affected with RYR1-related conditions. Algorithms developed to predict the effect of sequence changes on RNA splicing suggest that this variant may disrupt the consensus splice site. In summary, the available evidence is currently insufficient to determine the role of this variant in disease. Therefore, it has been classified as a Variant of Uncertain Significance.

Baylor Genetics
Classification: Uncertain significance for Malignant hyperthermia, susceptibility to, 1. Last evaluated: 2023-04-26. Review status: criteria provided, single submitter. Criteria: ACMG Guidelines, 2015. Collection method: clinical testing. Allele origin: unknown.

NM_000540.3(RYR1):c.2787-15C>G

Gene: RYR1 (ryanodine receptor 1; plus strand). Cytogenetic location: 19q13.2.
Variant type: single nucleotide variant.
Coding change: c.2787-15C>G on transcript NM_000540.3 (MANE Select); 15 bases into the intron before coding-DNA position 2787, C replaced by G.
Molecular consequence: intron variant.
Genome position (GRCh38, 1-based): chr19:38,464,624, C>G. VCF-style: chr19-38464624-C-G. GRCh37 (hg19) VCF-style: chr19-38955264-C-G.
Other names: c.2787-15C>G (NM_001042723.2).
Identifiers: ClinVar variation 2582363 (VCV002582363.4), dbSNP rs757936454, ClinGen allele CA064007.